The following is an entry in ClinVar:

ClinVar aggregate classification (germline): Uncertain significance. Review status: criteria provided, multiple submitters, no conflicts (2 of 4 stars). 2 submissions from 2 submitters: Uncertain significance (2). Last evaluated 2022-08-03.

Conditions:
Combined oxidative phosphorylation defect type 14. Also called: Combined oxidative phosphorylation deficiency 14. Identifiers: Orphanet 319519, MedGen C4755312, MONDO:0013986, OMIM 614946.

Allele frequency attached by ClinVar (database versions not stated): gnomAD exomes below 0.00001.
gnomAD v4.1: 1 of 1,613,718 alleles (0.000062%); highest among the groups gnomAD compares: Non-Finnish European, 0.000085%; no homozygotes.

Submissions (2):

Labcorp Genetics (formerly Invitae), Labcorp
Classification: Uncertain significance for Combined oxidative phosphorylation defect type 14. Last evaluated: 2022-08-03. Review status: criteria provided, single submitter. Criteria: Invitae Variant Classification Sherloc (09022015). Collection method: clinical testing. Allele origin: germline.
Comment: This sequence change replaces asparagine, which is neutral and polar, with serine, which is neutral and polar, at codon 300 of the FARS2 protein (p.Asn300Ser). This variant is not present in population databases (gnomAD no frequency). This variant has not been reported in the literature in individuals affected with FARS2-related conditions. ClinVar contains an entry for this variant (Variation ID: 214341). Advanced modeling of protein sequence and biophysical properties (such as structural, functional, and spatial information, amino acid conservation, physicochemical variation, residue mobility, and thermodynamic stability) performed at Invitae indicates that this missense variant is not expected to disrupt FARS2 protein function. Algorithms developed to predict the effect of sequence changes on RNA splicing suggest that this variant may create or strengthen a splice site. In summary, the available evidence is currently insufficient to determine the role of this variant in disease. Therefore, it has been classified as a Variant of Uncertain Significance.

GeneDx
Classification: Uncertain significance. Last evaluated: 2014-10-09. Review status: criteria provided, single submitter. Criteria: GeneDx Variant Classification (06012015). Collection method: clinical testing. Allele origin: germline. Affected: yes.
Comment: p.Asn300Ser (AAT>AGT): c.899 A>G in exon 4 of the FARS2 gene (NM_006567.3). The N300S variant has not been published as a mutation, nor has it been reported as a benign polymorphism to our knowledge. The N300S variant is a conservative amino acid substitution, which is not likely to impact secondary protein structure as these residues share similar properties. This substitution occurs at a position that is moderately conserved across species. In silico analysis predicts this variant likely does not alter the protein structure/function. Therefore, based on the currently available information, it is unclear whether this variant is a pathogenic mutation or a rare benign variant. The variant is found in MITONUC-MITOP panel(s).

NM_006567.5(FARS2):c.899A>G (p.Asn300Ser)

Gene: FARS2 (phenylalanyl-tRNA synthetase 2, mitochondrial; plus strand). Cytogenetic location: 6p25.1.
Variant type: single nucleotide variant.
Coding change: c.899A>G on transcript NM_006567.5 (MANE Select); coding-DNA position 899, A replaced by G.
Protein change: p.Asn300Ser; replaces asparagine 300 with serine.
Molecular consequence: missense variant. On other transcripts: intron variant (1).
Genome position (GRCh38, 1-based): chr6:5,431,167, A>G. VCF-style: chr6-5431167-A-G. GRCh37 (hg19) VCF-style: chr6-5431400-A-G.
Other names: p.N300S:AAT>AGT; c.899A>G, p.Asn300Ser (NM_001318872.2, NM_001374875.1, NM_001374876.1 and 4 more transcripts); c.203A>G, p.Asn68Ser (NM_001375259.1, NM_001375260.1); c.772+26466A>G (NM_001375258.1); short protein forms N300S, N68S.
Identifiers: ClinVar variation 214341 (VCV000214341.9), dbSNP rs863223959, ClinGen allele CA319978.